The following is an entry in ClinVar:

ClinVar aggregate classification (germline): Uncertain significance. Review status: criteria provided, multiple submitters, no conflicts (2 of 4 stars). 2 submissions from 2 submitters: Uncertain significance (2). Last evaluated 2024-03-07.

gnomAD v4.1: 3 of 1,611,530 alleles (0.00019%); highest among the groups gnomAD compares: South Asian, 0.0011%; no homozygotes.

Submissions (2):

Blueprint Genetics
Classification: Uncertain significance. Last evaluated: 2024-03-07. Review status: criteria provided, single submitter. Criteria: ACMG Guidelines, 2015. Collection method: clinical testing. Allele origin: germline.

Labcorp Genetics (formerly Invitae), Labcorp
Classification: Uncertain significance. Last evaluated: 2022-09-07. Review status: criteria provided, single submitter. Criteria: Invitae Variant Classification Sherloc (09022015). Collection method: clinical testing. Allele origin: germline.
Comment: This sequence change replaces leucine, which is neutral and non-polar, with proline, which is neutral and non-polar, at codon 3312 of the CDH23 protein (p.Leu3312Pro). This variant is present in population databases (rs371764852, gnomAD 0.0009%). This variant has not been reported in the literature in individuals affected with CDH23-related conditions. ClinVar contains an entry for this variant (Variation ID: 1476931). Algorithms developed to predict the effect of missense changes on protein structure and function are either unavailable or do not agree on the potential impact of this missense change (SIFT: "Deleterious"; PolyPhen-2: "Not Available"; Align-GVGD: "Class C0"). In summary, the available evidence is currently insufficient to determine the role of this variant in disease. Therefore, it has been classified as a Variant of Uncertain Significance.

NM_022124.6(CDH23):c.9935T>C (p.Leu3312Pro)

Gene: CDH23 (cadherin related 23; plus strand). Cytogenetic location: 10q22.1.
Variant type: single nucleotide variant.
Coding change: c.9935T>C on transcript NM_022124.6 (MANE Select); coding-DNA position 9935, T replaced by C.
Protein change: p.Leu3312Pro; replaces leucine 3312 with proline.
Molecular consequence: missense variant.
Genome position (GRCh38, 1-based): chr10:71,815,148, T>C. VCF-style: chr10-71815148-T-C. GRCh37 (hg19) VCF-style: chr10-73574905-T-C.
Other names: c.3215T>C, p.Leu1072Pro (NM_001171933.1); c.3110T>C, p.Leu1037Pro (NM_001171934.1); c.626T>C, p.Leu209Pro (NM_001171935.1); c.521T>C, p.Leu174Pro (NM_001171936.1); short protein forms L174P, L3312P, L1072P, L1037P, L209P.
Identifiers: ClinVar variation 1476931 (VCV001476931.6), dbSNP rs371764852, ClinGen allele CA5547220.